The following is an entry in ClinVar:

NM_004370.6(COL12A1):c.7229T>C (p.Ile2410Thr)

Genes: COL12A1 (collagen type XII alpha 1 chain; minus strand), LOC126859712 (MED14-independent group 3 enhancer GRCh37_chr6:75828643-75829842; plus strand). Cytogenetic location: 6q13.
Variant type: single nucleotide variant.
Coding change: c.7229T>C on transcript NM_004370.6 (MANE Select); coding-DNA position 7229, T replaced by C.
Protein change: p.Ile2410Thr; replaces isoleucine 2410 with threonine.
Molecular consequence: missense variant.
Genome position (GRCh38, 1-based): chr6:75,119,168, A>G on the plus strand (T>C on the coding strand, the complement: COL12A1 is on the minus strand). VCF-style: chr6-75119168-A-G. GRCh37 (hg19) VCF-style: chr6-75828884-A-G.
Other names: c.3737T>C, p.Ile1246Thr (NM_080645.3); short protein forms I2410T, I1246T.
Identifiers: ClinVar variation 931869 (VCV000931869.9), dbSNP rs1769231502, ClinGen allele CA364748122.

ClinVar aggregate classification (germline): Uncertain significance. Review status: criteria provided, multiple submitters, no conflicts (2 of 4 stars). 2 submissions from 2 submitters: Uncertain significance (2). Last evaluated 2025-11-01.

Conditions:
Bethlem myopathy 2 (BTHLM2). Identifiers: Orphanet 536516, Orphanet 610, MedGen C4225313, MONDO:0034022, OMIM 616471.

Submissions (2):

CeGaT Center for Human Genetics Tuebingen
Classification: Uncertain significance. Last evaluated: 2025-11-01. Review status: criteria provided, single submitter. Criteria: CeGaT Center For Human Genetics Tuebingen Variant Classification Criteria Version 2. Collection method: clinical testing. Allele origin: germline. Affected: yes. Observed: 1 variant allele.
Comment: COL12A1: PM2

Centre for Mendelian Genomics, University Medical Centre Ljubljana
Classification: Uncertain significance for Bethlem myopathy 2. Last evaluated: 2020-03-24. Review status: criteria provided, single submitter. Criteria: ACMG Guidelines, 2015. Collection method: clinical testing. Allele origin: unknown. Affected: yes.
Comment: This variant was classified as: Uncertain significance. The available evidence on this variant's pathogenicity is insufficient or conflicting. The following ACMG criteria were applied in classifying this variant: PM2.